The following is an entry in ClinVar:

NM_006371.5(CRTAP):c.472-821_472-819del

Gene: CRTAP (cartilage associated protein; plus strand). Cytogenetic location: 3p22.3.
Variant type: Deletion.
Coding change: c.472-821_472-819del on transcript NM_006371.5 (MANE Select); 821 bases into the intron before coding-DNA position 472 through 819 bases into the intron before coding-DNA position 472, 3 bases deleted (GTT; older notation c.472-821_472-819delGTT).
Molecular consequence: intron variant.
Genome position (GRCh38, 1-based): chr3:33,119,523-33,119,525, GTT deleted; deleting any 3 consecutive bases within chr3:33,119,521-33,119,525 gives the same sequence; the c. name uses the placement nearest the transcript's 3' end. VCF-style (leftmost placement, unchanged base first): chr3-33119520-ATTG-A. GRCh37 (hg19) VCF-style: chr3-33161012-ATTG-A.
Identifiers: ClinVar variation 669845 (VCV000669845.1), dbSNP rs35015376, ClinGen allele CA72703075.
Genomic context (GRCh38, chr3:33,119,520, plus strand): 5'-GGAGAACTTAACAGAATATATGGTCCATGCAGGTGGGGATTTTTTTTTCCTGTTTTGCTT[ATTG>A]TTATAGACCCACAACCTAGAAATGGTGCTCTTGTAATATGACGTTTATTGCTGCATGAAT-3'

ClinVar aggregate classification (germline): Benign (1 of 4 stars; one submission).

Submission:

GeneDx
Classification: Benign. Last evaluated: 2018-06-14. Review status: criteria provided, single submitter. Criteria: GeneDx Variant Classification (06012015). Collection method: clinical testing. Allele origin: germline. Affected: yes.
Comment: This variant is considered likely benign or benign based on one or more of the following criteria: it is a conservative change, it occurs at a poorly conserved position in the protein, it is predicted to be benign by multiple in silico algorithms, and/or has population frequency not consistent with disease.